The following is an entry in ClinVar:

NM_002465.4(MYBPC1):c.-13T>C

Gene: MYBPC1 (myosin binding protein C1; plus strand). Cytogenetic location: 12q23.2.
Variant type: single nucleotide variant.
Coding change: c.-13T>C on transcript NM_002465.4 (MANE Select); 13 bases upstream of the start codon, T replaced by C.
Molecular consequence: 5 prime UTR variant.
Genome position (GRCh38, 1-based): chr12:101,595,058, T>C. VCF-style: chr12-101595058-T-C. GRCh37 (hg19) VCF-style: chr12-101988836-T-C.
Other names: c.-13T>C (NM_001254718.3, NM_001254719.3, NM_001254720.3 and 13 more transcripts).
Identifiers: ClinVar variation 306706 (VCV000306706.7), dbSNP rs368264809, ClinGen allele CA6744309.

ClinVar aggregate classification (germline): Benign (1 of 4 stars; one submission).

Conditions:
Arthrogryposis, distal, type 1B. Identifiers: Orphanet 1146, MedGen C3280526, MONDO:0013698, OMIM 614335.

Allele frequency attached by ClinVar (database versions not stated): ExAC 0.00025; gnomAD 0.00074 and 0.00079; 1000 Genomes Project 0.00100; ESP Exome Variant Server 0.00100; 1000 Genomes Project 30x 0.00109; gnomAD exomes 0.00021 and 0.00006; TOPMed 0.00071.
gnomAD v4.1: 202 of 1,612,902 alleles (0.013%); highest among the groups gnomAD compares: African/African-American, 0.25%; no homozygotes.

Submission:

Illumina Laboratory Services, Illumina
Classification: Benign for Arthrogryposis, distal, type 1B. Last evaluated: 2018-01-12. Review status: criteria provided, single submitter. Criteria: ICSL Variant Classification Criteria 13 December 2019. Collection method: clinical testing. Allele origin: germline.
Comment: This variant was observed in the ICSL laboratory as part of a predisposition screen in an ostensibly healthy population. It had not been previously curated by ICSL or reported in the Human Gene Mutation Database (HGMD: prior to June 1st, 2018), and was therefore a candidate for classification through an automated scoring system. Utilizing variant allele frequency, disease prevalence and penetrance estimates, and inheritance mode, an automated score was calculated to assess if this variant is too frequent to cause the disease. Based on the score and internal cut-off values, a variant classified as benign is not then subjected to further curation. The score for this variant resulted in a classification of benign for this disease.